The following is an entry in ClinVar:

ClinVar aggregate classification (germline): Uncertain significance (1 of 4 stars; one submission).

Allele frequency attached by ClinVar (database versions not stated): gnomAD exomes below 0.00001; ExAC 0.00002.
gnomAD v4.1: 1 of 1,601,764 alleles (0.000062%); highest among the groups gnomAD compares: Non-Finnish European, 0.000085%; no homozygotes.

Submission:

Labcorp Genetics (formerly Invitae), Labcorp
Classification: Uncertain significance. Last evaluated: 2022-11-22. Review status: criteria provided, single submitter. Criteria: Invitae Variant Classification Sherloc (09022015). Collection method: clinical testing. Allele origin: germline.
Comment: ClinVar contains an entry for this variant (Variation ID: 1358521). In summary, the available evidence is currently insufficient to determine the role of this variant in disease. Therefore, it has been classified as a Variant of Uncertain Significance. This variant has not been reported in the literature in individuals affected with FSCN2-related conditions. The frequency data for this variant in the population databases is considered unreliable, as metrics indicate poor data quality at this position in the gnomAD database. This sequence change creates a premature translational stop signal (p.Lys356*) in the FSCN2 gene. It is expected to result in an absent or disrupted protein product. However, the current clinical and genetic evidence is not sufficient to establish whether loss-of-function variants in FSCN2 cause disease.

NM_012418.4(FSCN2):c.1066A>T (p.Lys356Ter)

Gene: FSCN2 (fascin actin-bundling protein 2, retinal; plus strand). Cytogenetic location: 17q25.3.
Variant type: single nucleotide variant.
Coding change: c.1066A>T on transcript NM_012418.4 (MANE Select); coding-DNA position 1066, A replaced by T.
Protein change: p.Lys356Ter; replaces lysine 356 with a stop codon.
Molecular consequence: nonsense.
Genome position (GRCh38, 1-based): chr17:81,536,228, A>T. VCF-style: chr17-81536228-A-T. GRCh37 (hg19) VCF-style: chr17-79503254-A-T.
Other names: c.1066A>T, p.Lys356Ter (NM_001077182.3); short protein forms K356*.
Identifiers: ClinVar variation 1358521 (VCV001358521.6), dbSNP rs761536850, ClinGen allele CA8836947.